The following is an entry in ClinVar:

NM_005993.5(TBCD):c.1715T>C (p.Ile572Thr)

Gene: TBCD (tubulin folding cofactor D). Cytogenetic location: 17q25.3.
Variant type: single nucleotide variant.
Coding change: c.1715T>C on transcript NM_005993.5 (MANE Select); coding-DNA position 1715, T replaced by C.
Protein change: p.Ile572Thr; replaces isoleucine 572 with threonine.
Molecular consequence: missense variant.
Genome position (GRCh38, 1-based): chr17:82,900,716, T>C. VCF-style: chr17-82900716-T-C. GRCh37 (hg19) VCF-style: chr17-80858592-T-C.
Other names: c.1664T>C, p.Ile555Thr (NM_001411101.1); short protein forms I572T, I555T.
Identifiers: ClinVar variation 1921204 (VCV001921204.2), dbSNP rs777977111, ClinGen allele CA8862718.
Genomic context (GRCh38, chr17:82,900,716, plus strand): 5'-TTATTGCCGGCTTTCCTGAGTACACGCAGCCAATGATAGACCACCTGGTTACCATGAAGA[T>C]CAGCCACTGGGATGGGTAGGTTTTCTGTTTTTGTTTTTCTAAGAGCTTTTTTTCCCCCCA-3'
Protein context (NP_005984.3, residues 562-582): PMIDHLVTMK[Ile572Thr]SHWDGVIREL

ClinVar aggregate classification (germline): Uncertain significance (1 of 4 stars; one submission).

Allele frequency attached by ClinVar (database versions not stated): gnomAD exomes below 0.00001; ExAC 0.00002.
gnomAD v4.1: 1 of 1,613,972 alleles (0.000062%); highest among the groups gnomAD compares: Admixed American, 0.0017%; no homozygotes.

Submission:

Labcorp Genetics (formerly Invitae), Labcorp
Classification: Uncertain significance. Last evaluated: 2022-08-08. Review status: criteria provided, single submitter. Criteria: Invitae Variant Classification Sherloc (09022015). Collection method: clinical testing. Allele origin: germline.
Comment: This sequence change replaces isoleucine, which is neutral and non-polar, with threonine, which is neutral and polar, at codon 572 of the TBCD protein (p.Ile572Thr). This variant is present in population databases (rs777977111, gnomAD 0.006%). This variant has not been reported in the literature in individuals affected with TBCD-related conditions. Algorithms developed to predict the effect of missense changes on protein structure and function (SIFT, PolyPhen-2, Align-GVGD) all suggest that this variant is likely to be tolerated. In summary, the available evidence is currently insufficient to determine the role of this variant in disease. Therefore, it has been classified as a Variant of Uncertain Significance.